The following is an entry in ClinVar:

ClinVar aggregate classification (germline): Uncertain significance. Review status: criteria provided, multiple submitters, no conflicts (2 of 4 stars). 2 submissions from 2 submitters: Uncertain significance (2). Last evaluated 2024-10-29.

Allele frequency attached by ClinVar (database versions not stated): gnomAD exomes 0.00002; ExAC 0.00005.
gnomAD v4.1: 37 of 1,614,084 alleles (0.0023%); highest among the groups gnomAD compares: South Asian, 0.032%; no homozygotes.

Submissions (2):

Labcorp Genetics (formerly Invitae), Labcorp
Classification: Uncertain significance. Last evaluated: 2024-10-29. Review status: criteria provided, single submitter. Criteria: Invitae Variant Classification Sherloc (09022015). Collection method: clinical testing. Allele origin: germline.
Comment: This sequence change replaces alanine, which is neutral and non-polar, with valine, which is neutral and non-polar, at codon 1057 of the TRPM1 protein (p.Ala1057Val). This variant is present in population databases (rs565655187, gnomAD 0.03%). This variant has not been reported in the literature in individuals affected with TRPM1-related conditions. ClinVar contains an entry for this variant (Variation ID: 1923874). Invitae Evidence Modeling of protein sequence and biophysical properties (such as structural, functional, and spatial information, amino acid conservation, physicochemical variation, residue mobility, and thermodynamic stability) indicates that this missense variant is not expected to disrupt TRPM1 protein function with a negative predictive value of 95%. In summary, the available evidence is currently insufficient to determine the role of this variant in disease. Therefore, it has been classified as a Variant of Uncertain Significance.

Blueprint Genetics
Classification: Uncertain significance. Last evaluated: 2024-10-23. Review status: criteria provided, single submitter. Criteria: ACMG Guidelines, 2015. Collection method: clinical testing. Allele origin: germline.

NM_001252024.2(TRPM1):c.3236C>T (p.Ala1079Val)

Genes: TRPM1 (transient receptor potential cation channel subfamily M member 1; minus strand), TRPM1-AS1 (TRPM1 antisense RNA 1; plus strand). Cytogenetic location: 15q13.3.
Variant type: single nucleotide variant.
Coding change: c.3236C>T on transcript NM_001252024.2 (MANE Select); coding-DNA position 3236, C replaced by T.
Protein change: p.Ala1079Val; replaces alanine 1079 with valine.
Molecular consequence: missense variant.
Genome position (GRCh38, 1-based): chr15:31,028,389, G>A on the plus strand (C>T on the coding strand, the complement: TRPM1 is on the minus strand). VCF-style: chr15-31028389-G-A. GRCh37 (hg19) VCF-style: chr15-31320592-G-A.
Other names: c.3287C>T, p.Ala1096Val (NM_001252020.2); c.3170C>T, p.Ala1057Val (NM_002420.6); short protein forms A1057V, A1096V, A1079V.
Identifiers: ClinVar variation 1923874 (VCV001923874.6), dbSNP rs565655187, ClinGen allele CA7451942.